The following is an entry in ClinVar:

ClinVar aggregate classification (germline): Uncertain significance (1 of 4 stars; one submission).

Allele frequency attached by ClinVar (database versions not stated): ExAC 0.00002; gnomAD exomes 0.00002; gnomAD 0.00001.
gnomAD v4.1: 25 of 1,614,020 alleles (0.0015%); highest among the groups gnomAD compares: Admixed American, 0.0033%; no homozygotes.

Submission:

Labcorp Genetics (formerly Invitae), Labcorp
Classification: Uncertain significance. Last evaluated: 2022-11-23. Review status: criteria provided, single submitter. Criteria: Invitae Variant Classification Sherloc (09022015). Collection method: clinical testing. Allele origin: germline.
Comment: In summary, the available evidence is currently insufficient to determine the role of this variant in disease. Therefore, it has been classified as a Variant of Uncertain Significance. Algorithms developed to predict the effect of missense changes on protein structure and function output the following: SIFT: "Tolerated"; PolyPhen-2: "Benign"; Align-GVGD: "Class C0". The threonine amino acid residue is found in multiple mammalian species, which suggests that this missense change does not adversely affect protein function. This variant has not been reported in the literature in individuals affected with ACOX2-related conditions. This variant is present in population databases (rs759724683, gnomAD 0.006%). This sequence change replaces alanine, which is neutral and non-polar, with threonine, which is neutral and polar, at codon 479 of the ACOX2 protein (p.Ala479Thr).

NM_003500.4(ACOX2):c.1435G>A (p.Ala479Thr)

Gene: ACOX2 (acyl-CoA oxidase 2; minus strand). Cytogenetic location: 3p14.3.
Variant type: single nucleotide variant.
Coding change: c.1435G>A on transcript NM_003500.4 (MANE Select); coding-DNA position 1435, G replaced by A.
Protein change: p.Ala479Thr; replaces alanine 479 with threonine.
Molecular consequence: missense variant.
Genome position (GRCh38, 1-based): chr3:58,524,517, C>T on the plus strand (G>A on the coding strand, the complement: ACOX2 is on the minus strand). VCF-style: chr3-58524517-C-T. GRCh37 (hg19) VCF-style: chr3-58510244-C-T.
Other names: short protein forms A479T.
Identifiers: ClinVar variation 2958739 (VCV002958739.3), dbSNP rs759724683, ClinGen allele CA2472067.